The following is an entry in ClinVar:

ClinVar aggregate classification (germline): Benign (1 of 4 stars; one submission).

Conditions:
3-methylcrotonyl-CoA carboxylase 2 deficiency. Also called: METHYLCROTONYLGLYCINURIA, TYPE II; 3 alpha methylcrotonyl-CoA carboxylase 2 deficiency; 3 alpha methylcrotonylglycinuria 2; MCC 2 deficiency; Methylcrotonylglycinuria type 2. Identifiers: Orphanet 6, MedGen C1859499, MONDO:0008862, OMIM 210210.

Allele frequency attached by ClinVar (database versions not stated): 1000 Genomes Project 0.00958; 1000 Genomes Project 30x 0.00984; gnomAD 0.01039 and 0.01118; TOPMed 0.01167.

Submission:

Illumina Laboratory Services, Illumina
Classification: Benign for 3-methylcrotonyl-CoA carboxylase 2 deficiency. Last evaluated: 2018-01-13. Review status: criteria provided, single submitter. Criteria: ICSL Variant Classification Criteria 13 December 2019. Collection method: clinical testing. Allele origin: germline.
Comment: This variant was observed in the ICSL laboratory as part of a predisposition screen in an ostensibly healthy population. It had not been previously curated by ICSL or reported in the Human Gene Mutation Database (HGMD: prior to June 1st, 2018), and was therefore a candidate for classification through an automated scoring system. Utilizing variant allele frequency, disease prevalence and penetrance estimates, and inheritance mode, an automated score was calculated to assess if this variant is too frequent to cause the disease. Based on the score and internal cut-off values, a variant classified as benign is not then subjected to further curation. The score for this variant resulted in a classification of benign for this disease.

NM_022132.5(MCCC2):c.*1381A>C

Gene: MCCC2 (methylcrotonyl-CoA carboxylase subunit 2; plus strand). Cytogenetic location: 5q13.2.
Variant type: single nucleotide variant.
Coding change: c.*1381A>C on transcript NM_022132.5 (MANE Select); 1381 bases downstream of the stop codon, A replaced by C.
Molecular consequence: 3 prime UTR variant.
Genome position (GRCh38, 1-based): chr5:71,658,241, A>C. VCF-style: chr5-71658241-A-C. GRCh37 (hg19) VCF-style: chr5-70954068-A-C.
Other names: c.*1381A>C (NM_001363147.1).
Identifiers: ClinVar variation 354126 (VCV000354126.5), dbSNP rs115650149, ClinGen allele CA10622128.